The following is an entry in ClinVar:

ClinVar aggregate classification (germline): Likely benign. Review status: criteria provided, multiple submitters, no conflicts (2 of 4 stars). 2 submissions from 2 submitters: Likely benign (2). Last evaluated 2023-08-01.

Allele frequency attached by ClinVar (database versions not stated): gnomAD 0.00001; gnomAD exomes 0.00001; TOPMed 0.00001.
gnomAD v4.1: 4 of 1,567,882 alleles (0.00026%); highest among the groups gnomAD compares: Non-Finnish European, 0.00035%; no homozygotes.

Submissions (2):

CeGaT Center for Human Genetics Tuebingen
Classification: Likely benign. Last evaluated: 2023-08-01. Review status: criteria provided, single submitter. Criteria: CeGaT Center For Human Genetics Tuebingen Variant Classification Criteria Version 2. Collection method: clinical testing. Allele origin: germline. Affected: yes. Observed: 1 variant allele.
Comment: VDR: BP4, BP7

Labcorp Genetics (formerly Invitae), Labcorp
Classification: Likely benign. Last evaluated: 2022-12-21. Review status: criteria provided, single submitter. Criteria: Invitae Variant Classification Sherloc (09022015). Collection method: clinical testing. Allele origin: germline.

NM_000376.3(VDR):c.927G>C (p.Leu309=)

Gene: VDR (vitamin D receptor; minus strand). Cytogenetic location: 12q13.11.
Variant type: single nucleotide variant.
Coding change: c.927G>C on transcript NM_000376.3 (MANE Select); coding-DNA position 927, G replaced by C.
Protein change: p.Leu309=; no amino-acid change (leucine 309 retained).
Molecular consequence: synonymous variant.
Genome position (GRCh38, 1-based): chr12:47,846,432, C>G on the plus strand (G>C on the coding strand, the complement: VDR is on the minus strand). VCF-style: chr12-47846432-C-G. GRCh37 (hg19) VCF-style: chr12-48240215-C-G.
Other names: c.927G>C, p.Leu309= (NM_001017535.2, NM_001364085.2, NM_001374661.1 and 1 more transcripts); c.1077G>C, p.Leu359= (NM_001017536.2).
Identifiers: ClinVar variation 1946890 (VCV001946890.29), dbSNP rs1360270534, ClinGen allele CA479434427.
Genomic context (GRCh38, chr12:47,846,432, plus strand): 5'-CTCCTCCTCATGCAAGTTCAGCTTCTTCAGTCCCACCTGGAACTTGATGAGGGGCTCAAT[C>G]AGCTCCAGGCTGTGTCCGGCTGTGAGAGACAATGGCCAGGTACTGCGGGCAGAGCTGAGG-3'
Protein context (NP_000367.1, residues 299-319): DVTKAGHSLE[Leu309=]IEPLIKFQVG